The following is an entry in ClinVar:

NC_000023.10:g.(31838201_31854834)_(31986632_32235032)dup

Gene: DMD (dystrophin; minus strand). Cytogenetic location: Xp21.1.
Variant type: Duplication.
Identifiers: ClinVar variation 1722393 (VCV001722393.1).

ClinVar aggregate classification (germline): Pathogenic (1 of 4 stars; one submission).

Conditions:
Neuromuscular disease caused by qualitative or quantitative defects of dystrophin. Also called: Qualitative or quantitative defects of dystrophin. Identifiers: Orphanet 207085, MedGen C5679787, MONDO:0016147.

Submission:

Women's Health and Genetics/Laboratory Corporation of America, LabCorp
Classification: Pathogenic for Neuromuscular disease caused by qualitative or quantitative defects of dystrophin. Last evaluated: 2022-09-02. Review status: criteria provided, single submitter. Criteria: LabCorp Variant Classification Summary - May 2015. Collection method: clinical testing. Allele origin: germline.
Comment: Variant summary: The variant identified by MLPA or other technology involves the duplication of exons 45-49 in the DMD gene. A presumed nomenclature of c.(6438+1_6439-1)_(7200+1_7201-1)dup has been designated for the purposes of this classification. It has been assumed that this is a tandem duplication in direct orientation (Richardson_GIM_2018, Newman_AJHG_2015). Although the exact breakpoints of this duplication are not known, it is expected to result in a large in-frame duplication in the DMD gene. The variant was absent in 16120 control chromosomes (gnomAD, Structural Variants dataset), but has been reported in the literature in multiple individuals affected with Dystrophinopathies (e.g. Moizard_1998, Hwa_2007, Piko_2009, Tomar_2019, Ling_2020). These data indicate that the variant is likely to be associated with disease. One ClinVar submitter has assessed the variant since 2014: the variant was classified as pathogenic. Based on the evidence outlined above, the variant was classified as pathogenic.

Literature cited by the submitters: PubMed 31705731; PubMed 17561468; PubMed 31081998; PubMed 9800909; PubMed 19084397.